The following is an entry in ClinVar:

ClinVar aggregate classification (germline): Conflicting classifications of pathogenicity. Review status: criteria provided, conflicting classifications (1 of 4 stars). 2 submissions from 2 submitters: Uncertain significance (1); Likely benign (1). Last evaluated 2025-09-25.

Conditions:
SPEF2-related disorder. Also called: SPEF2-related condition.
Inborn genetic diseases. Identifiers: MedGen C0950123, MeSH D030342.

Allele frequency attached by ClinVar (database versions not stated): gnomAD exomes 0.00003; ExAC 0.00012; gnomAD 0.00012; TOPMed 0.00018.
gnomAD v4.1: 141 of 1,613,370 alleles (0.0087%); highest among the groups gnomAD compares: East Asian, 0.12%; 4 homozygotes.

Submissions (2):

PreventionGenetics, part of Exact Sciences
Classification: Likely benign for SPEF2-related condition. Last evaluated: 2025-09-25. Review status: criteria provided, single submitter. Criteria: ACMG Guidelines, 2015. Collection method: clinical testing. Allele origin: germline.
Comment: This variant is classified as likely benign based on ACMG/AMP sequence variant interpretation guidelines (Richards et al. 2015 PMID: 25741868, with internal and published modifications).

Ambry Genetics
Classification: Uncertain significance for Inborn genetic diseases. Last evaluated: 2021-07-20. Review status: criteria provided, single submitter. Criteria: Ambry Variant Classification Scheme 2023. Collection method: clinical testing. Allele origin: germline.

NM_024867.4(SPEF2):c.1091A>G (p.Gln364Arg)

Gene: SPEF2 (sperm flagellar and cilia associated 2; plus strand). Cytogenetic location: 5p13.2.
Variant type: single nucleotide variant.
Coding change: c.1091A>G on transcript NM_024867.4 (MANE Select); coding-DNA position 1091, A replaced by G.
Protein change: p.Gln364Arg; replaces glutamine 364 with arginine.
Molecular consequence: missense variant.
Genome position (GRCh38, 1-based): chr5:35,659,131, A>G. VCF-style: chr5-35659131-A-G. GRCh37 (hg19) VCF-style: chr5-35659233-A-G.
Other names: c.1091A>G, p.Gln364Arg (NM_144722.4); short protein forms Q364R.
Identifiers: ClinVar variation 2380757 (VCV002380757.3), dbSNP rs375788129, ClinGen allele CA3230371.